The following is an entry in ClinVar:

ClinVar aggregate classification (germline): Uncertain significance (1 of 4 stars; one submission).

Conditions:
Developmental and epileptic encephalopathy 94 (DEE94). Also called: CHD2-Related Neurodevelopmental Disorders; Epileptic encephalopathy, childhood-onset. Identifiers: Orphanet 1942, Orphanet 2382, MedGen C3809278, MONDO:0014150, OMIM 615369.

Submission:

Labcorp Genetics (formerly Invitae), Labcorp
Classification: Uncertain significance for Developmental and epileptic encephalopathy 94. Last evaluated: 2021-03-09. Review status: criteria provided, single submitter. Criteria: Invitae Variant Classification Sherloc (09022015). Collection method: clinical testing. Allele origin: germline.
Comment: In summary, the available evidence is currently insufficient to determine the role of this variant in disease. Therefore, it has been classified as a Variant of Uncertain Significance. This sequence change replaces glutamic acid with alanine at codon 65 of the CHD2 protein (p.Glu65Ala). The glutamic acid residue is highly conserved and there is a moderate physicochemical difference between glutamic acid and alanine. This variant is not present in population databases (ExAC no frequency). This variant has not been reported in the literature in individuals with CHD2-related conditions. Algorithms developed to predict the effect of missense changes on protein structure and function are either unavailable or do not agree on the potential impact of this missense change (SIFT: "Deleterious"; PolyPhen-2: "Not Available"; Align-GVGD: "Class C65").

NM_001271.4(CHD2):c.194A>C (p.Glu65Ala)

Gene: CHD2 (chromodomain helicase DNA binding protein 2; plus strand). Cytogenetic location: 15q26.1.
Variant type: single nucleotide variant.
Coding change: c.194A>C on transcript NM_001271.4 (MANE Select); coding-DNA position 194, A replaced by C.
Protein change: p.Glu65Ala; replaces glutamic acid 65 with alanine.
Molecular consequence: missense variant.
Genome position (GRCh38, 1-based): chr15:92,924,452, A>C. VCF-style: chr15-92924452-A-C. GRCh37 (hg19) VCF-style: chr15-93467682-A-C.
Other names: c.194A>C, p.Glu65Ala (NM_001042572.3); short protein forms E65A.
Identifiers: ClinVar variation 1005407 (VCV001005407.9), dbSNP rs2053018824, ClinGen allele CA393896282.